The following is an entry in ClinVar:

ClinVar aggregate classification (germline): Uncertain significance. Review status: criteria provided, multiple submitters, no conflicts (2 of 4 stars). 25 submissions from 24 submitters: Uncertain significance (22). 3 of the submissions do not count toward it. Last evaluated 2026-08-18.

Conditions:
Familial ovarian cancer. Identifiers: MedGen C5679802, MONDO:0016248.
BRIP1-related disorder. Also called: BRIP1-related condition; BRIP1-related disorders. Identifiers: MedGen CN239206.
Fanconi anemia complementation group J. Also called: BRIP1-Related Fanconi Anemia. Identifiers: Orphanet 84, MedGen C1836860, MONDO:0012187, OMIM 609054.
Familial cancer of breast. Also called: hereditary breast carcinoma; BREAST CANCER, FAMILIAL; Hereditary breast cancer. Identifiers: Orphanet 227535, MedGen C0346153, MONDO:0016419, OMIM 114480. Disease mechanism: loss of function.
Hereditary cancer-predisposing syndrome. Also called: Hereditary neoplastic syndrome; Neoplastic Syndromes, Hereditary; Tumor predisposition; Hereditary Cancer Syndrome. Identifiers: Orphanet 140162, MedGen C0027672, MeSH D009386, MONDO:0015356.
Ovarian cancer. Also called: OVARIAN CANCER, SOMATIC. Identifiers: Orphanet 213500, MedGen C1140680, MONDO:0008170, OMIM 167000.
Hereditary breast ovarian cancer syndrome. Also called: BRCA1- and BRCA2-Associated Hereditary Breast and Ovarian Cancer; Hereditary breast and ovarian cancer syndrome; Hereditary breast and/or ovarian cancer syndrome; Hereditary breast and ovarian cancer; Hereditary breast and ovarian cancer syndrome (HBOC); Breast and ovarian cancer. Identifiers: Orphanet 145, MedGen C0677776, MeSH D061325, MONDO:0003582. Disease mechanism: loss of function.
Malignant tumor of breast. Also called: Malignant breast neoplasm; Cancer breast. Identifiers: MedGen C0006142, MONDO:0007254. Disease mechanism: loss of function.

Allele frequency attached by ClinVar (database versions not stated): gnomAD exomes 0.00007 and 0.00004; ExAC 0.00002; gnomAD 0.00004; TOPMed 0.00005.
gnomAD v4.1: 104 of 1,613,052 alleles (0.0064%); highest among the groups gnomAD compares: Middle Eastern, 0.12%; no homozygotes.

Submissions 1 to 6 of 26:

Hema, HEMA – Genetic and Molecular Diagnostic Laboratory
Classification: Uncertain significance for Familial ovarian cancer. Last evaluated: 2026-08-18. Review status: criteria provided, single submitter. Criteria: HEMA Variant Classification Assertion Criteria. Collection method: clinical testing. Allele origin: germline.
Comment: The c.415T>G variant is a transversion from adenine to cytosine, resulting in the substitution of serine 139 with alanine in the BRIP1 protein. BP4_Moderate: The computational metapredictor REVEL score = 0.126 ≤ 0.183, indicating that the variant would not have an effect on the BRIP1 protein. A variant of uncertain significance was identified in the heterozygous state in the BRIP1 gene, which is associated with autosomal dominant inherited ovarian cancer. It is a missense variant that, according to the metapredictor REVEL, would not affect the function of BRIP1 (BP4_Moderate).

PreventionGenetics, part of Exact Sciences
Classification: Uncertain significance for BRIP1-related condition. Last evaluated: 2026-05-04. Review status: criteria provided, single submitter. Criteria: ACMG Guidelines, 2015. Collection method: clinical testing. Allele origin: germline.
Comment: The BRIP1 c.415T>G variant is predicted to result in the amino acid substitution p.Ser139Ala. This variant has been reported in individuals with a history of colorectal or breast and/or ovarian cancer (Supplementary table 3, de Oliveira et al. 2022. PubMed ID: 35534704; Table A4, Yurgelun et al. 2017. PubMed ID: 28135145; Table 1, Li et al. 2016. PubMed ID: 26534844; Guénard et al. 2008. PubMed ID: 18414782; Supplementary Table 1, Easton et al. 2016. PubMed ID: 26921362), but has also been reported in a control cohort (Supplementary Table 4, Ramus et al. 2015. PubMed ID: 26315354). This variant is reported in 0.0078% of alleles in individuals of European (Non-Finnish) descent in gnomAD and is interpreted as uncertain in ClinVar (Variation ID: 132712). At this time, the clinical significance of this variant is uncertain due to the absence of conclusive functional and genetic evidence.

Labcorp Genetics (formerly Invitae), Labcorp
Classification: Uncertain significance for Familial cancer of breast; Fanconi anemia complementation group J. Last evaluated: 2026-01-31. Review status: criteria provided, single submitter. Criteria: Invitae Variant Classification Sherloc (09022015). Collection method: clinical testing. Allele origin: germline.
Comment: This sequence change replaces serine, which is neutral and polar, with alanine, which is neutral and non-polar, at codon 139 of the BRIP1 protein (p.Ser139Ala). This variant is present in population databases (rs202072866, gnomAD 0.008%). This missense change has been observed in individual(s) with breast cancer and/or colorectal cancer (PMID: 18414782, 26534844, 26921362, 28135145, 30262796; 34646395. 35534704). ClinVar contains an entry for this variant (Variation ID: 132712). Invitae Evidence Modeling of protein sequence and biophysical properties (such as structural, functional, and spatial information, amino acid conservation, physicochemical variation, residue mobility, and thermodynamic stability) indicates that this missense variant is not expected to disrupt BRIP1 protein function with a negative predictive value of 95%. In summary, the available evidence is currently insufficient to determine the role of this variant in disease. Therefore, it has been classified as a Variant of Uncertain Significance.

Institute for Biomarker Research, Medical Diagnostic Laboratories, L.L.C.
Classification: Uncertain significance for Hereditary cancer-predisposing syndrome. Last evaluated: 2025-12-15. Review status: criteria provided, single submitter. Criteria: ACMG Guidelines, 2015. Collection method: clinical testing. Allele origin: germline.
Comment: The missense variant NM_032043.3(BRIP1):c.415T>G (p.Ser139Ala) has not been reported previously as a pathogenic variant nor as a benign variant, to our knowledge (Accession: VCV000132712.47). There is a moderate physicochemical difference between serine and alanine. The gene BRIP1 has a low rate of benign missense variation as indicated by a high missense variants Z-Score of 2.45. The gene BRIP1 contains 20 pathogenic missense variants, indicating that missense variants are a common mechanism of disease in this gene. The p.Ser139Ala missense variant is predicted to be damaging by both SIFT and PolyPhen2. The serine residue at codon 139 of BRIP1 is conserved in all mammalian species. The nucleotide c.415 in BRIP1 is predicted conserved by GERP++ and PhyloP across 100 vertebrates. For these reasons, this variant has been classified as Uncertain Significance.

Women's Health and Genetics/Laboratory Corporation of America, LabCorp
Classification: Uncertain significance. Last evaluated: 2025-10-20. Review status: criteria provided, single submitter. Criteria: LabCorp Variant Classification Summary - May 2015. Collection method: clinical testing. Allele origin: germline.
Comment: Variant summary: BRIP1 c.415T>G (p.Ser139Ala) results in a conservative amino acid change located in the Helicase-like, DEXD box c2 type domain (IPR006554) of the encoded protein sequence. Algorithms developed to predict the effect of missense changes on protein structure and function are either unavailable or do not agree on the potential impact of this missense change. The variant allele was found at a frequency of 4.6e-05 in 258216 control chromosomes. This frequency is not significantly higher than estimated for disease-causing variants in BRIP1, allowing no conclusion about variant significance. c.415T>G has been observed as a VUS in settings of multigene panel testing among individuals with breast/colorectal cancers (Guenard_2008, Li_2015, Zick_2015, Yurgelun_2017, Quezada_2018, Tsaousis_2019, Dorling_2021) and unaffected controls (Ramus_2015, Dorling_2021). To our knowledge, no experimental evidence demonstrating an impact on protein function has been reported. The following publications have been ascertained in the context of this evaluation (PMID: 33471991, 19197335, 26534844, 30262796, 26315354, 31159747, 28135145). ClinVar contains an entry for this variant (Variation ID: 132712). Based on the evidence outlined above, the variant was classified as uncertain significance.

Quest Diagnostics Nichols Institute San Juan Capistrano
Classification: Uncertain significance. Last evaluated: 2025-10-14. Review status: criteria provided, single submitter. Criteria: Quest Diagnostics criteria. Collection method: clinical testing. Allele origin: unknown.
Comment: The BRIP1 c.415T>G (p.Ser139Ala) variant has been reported in the published literature in individuals with breast cancer (PMID: 35534704 (2022), 34646395 (2021), 33471991 (2021), see also LOVD, 26921362 (2016), 26534844 (2016). 18414782 (2008)), ovarian cancer (PMID: 26315354 (2015) and colorectal cancer (PMID: 28135145 (2018)). This variant has also been identified in reportedly unaffected individuals (PMID: 33471991 (2021), see also LOVD), 26315354 (2015)). The frequency of this variant in the general population (Genome Aggregation Database) is uninformative in the assessment of its pathogenicity. Analysis of this variant using bioinformatics tools for the prediction of the effect of amino acid changes on protein structure and function yielded conflicting predictions that this variant is benign or damaging. Based on the available information, we are unable to determine the clinical significance of this variant.

NM_032043.3(BRIP1):c.415T>G (p.Ser139Ala)

Gene: BRIP1 (BRCA1 interacting DNA helicase 1; minus strand). Cytogenetic location: 17q23.2.
Variant type: single nucleotide variant.
Coding change: c.415T>G on transcript NM_032043.3 (MANE Select); coding-DNA position 415, T replaced by G.
Protein change: p.Ser139Ala; replaces serine 139 with alanine.
Molecular consequence: missense variant.
Genome position (GRCh38, 1-based): chr17:61,849,221, A>C on the plus strand (T>G on the coding strand, the complement: BRIP1 is on the minus strand). VCF-style: chr17-61849221-A-C. GRCh37 (hg19) VCF-style: chr17-59926582-A-C.
Other names: short protein forms S139A.
Identifiers: ClinVar variation 132712 (VCV000132712.53), dbSNP rs202072866, ClinGen allele CA167676.
Genomic context (GRCh38, chr17:61,849,221, plus strand): 5'-TCTTCTCTACTTGAAAATCATCATTTTCATCTCTGTATATGGATGCCTGTTTCTTAGCAG[A>C]TAACTTTGCAGCCAGAGTGGTTTTTTCAGGGGAGTCTTATATAAGTAATTTAAAAAAAAC-3'
Protein context (NP_114432.2, residues 129-149): PEKTTLAAKL[Ser139Ala]AKKQASIYRD